The following is an entry in ClinVar:

ClinVar aggregate classification (germline): Uncertain significance (1 of 4 stars; one submission).

Submission:

Labcorp Genetics (formerly Invitae), Labcorp
Classification: Uncertain significance. Last evaluated: 2024-11-21. Review status: criteria provided, single submitter. Criteria: Invitae Variant Classification Sherloc (09022015). Collection method: clinical testing. Allele origin: germline.
Comment: This sequence change replaces alanine, which is neutral and non-polar, with threonine, which is neutral and polar, at codon 663 of the CSF2RB protein (p.Ala663Thr). This variant is not present in population databases (gnomAD no frequency). This variant has not been reported in the literature in individuals affected with CSF2RB-related conditions. Invitae Evidence Modeling of protein sequence and biophysical properties (such as structural, functional, and spatial information, amino acid conservation, physicochemical variation, residue mobility, and thermodynamic stability) indicates that this missense variant is not expected to disrupt CSF2RB protein function with a negative predictive value of 80%. In summary, the available evidence is currently insufficient to determine the role of this variant in disease. Therefore, it has been classified as a Variant of Uncertain Significance.

NM_000395.3(CSF2RB):c.1987G>A (p.Ala663Thr)

Gene: CSF2RB (colony stimulating factor 2 receptor subunit beta; plus strand). Cytogenetic location: 22q12.3.
Variant type: single nucleotide variant.
Coding change: c.1987G>A on transcript NM_000395.3 (MANE Select); coding-DNA position 1987, G replaced by A.
Protein change: p.Ala663Thr; replaces alanine 663 with threonine.
Molecular consequence: missense variant.
Genome position (GRCh38, 1-based): chr22:36,937,795, G>A. VCF-style: chr22-36937795-G-A. GRCh37 (hg19) VCF-style: chr22-37333837-G-A.
Other names: c.2005G>A, p.Ala669Thr (NM_001410827.1); short protein forms A663T, A669T.
Identifiers: ClinVar variation 3616010 (VCV003616010.2).
Genomic context (GRCh38, chr22:36,937,795, plus strand): 5'-GCCCAGGCGATGGGACCAGGACAGGCCGTGGAAGTGGAGAGAAGGCCGAGCCAGGGGGCT[G>A]CAGGGAGTCCCTCCCTGGAGTCCGGGGGAGGCCCTGCCCCTCCTGCTCTTGGGCCAAGGG-3'
Protein context (NP_000386.1, residues 653-673): EVERRPSQGA[Ala663Thr]GSPSLESGGG